The following is an entry in ClinVar:

ClinVar aggregate classification (germline): Uncertain significance. Review status: criteria provided, multiple submitters, no conflicts (2 of 4 stars). 2 submissions from 2 submitters: Uncertain significance (2). Last evaluated 2019-09-26.

Conditions:
Familial cancer of breast. Also called: BREAST CANCER, FAMILIAL; Hereditary breast cancer; hereditary breast carcinoma. Identifiers: Orphanet 227535, MedGen C0346153, MONDO:0016419, OMIM 114480. Disease mechanism: loss of function.
Fanconi anemia complementation group J. Also called: BRIP1-Related Fanconi Anemia. Identifiers: Orphanet 84, MedGen C1836860, MONDO:0012187, OMIM 609054.

Submissions (2):

Labcorp Genetics (formerly Invitae), Labcorp
Classification: Uncertain significance for Familial cancer of breast; Fanconi anemia complementation group J. Last evaluated: 2019-09-26. Review status: criteria provided, single submitter. Criteria: Invitae Variant Classification Sherloc (09022015). Collection method: clinical testing. Allele origin: germline.
Comment: This variant is not present in population databases (ExAC no frequency). This sequence change replaces isoleucine with methionine at codon 377 of the BRIP1 protein (p.Ile377Met). The isoleucine residue is highly conserved and there is a small physicochemical difference between isoleucine and methionine. This variant has not been reported in the literature in individuals with BRIP1-related conditions. ClinVar contains an entry for this variant (Variation ID: 584971). In summary, the available evidence is currently insufficient to determine the role of this variant in disease. Therefore, it has been classified as a Variant of Uncertain Significance. Algorithms developed to predict the effect of missense changes on protein structure and function are either unavailable or do not agree on the potential impact of this missense change (SIFT: "Deleterious"; PolyPhen-2: "Probably Damaging"; Align-GVGD: "Class C0").

Mendelics
Classification: Uncertain significance for Familial cancer of breast. Last evaluated: 2019-05-28. Review status: criteria provided, single submitter. Criteria: Mendelics Assertion Criteria 2017. Collection method: clinical testing. Allele origin: unknown.

NM_032043.3(BRIP1):c.1131A>G (p.Ile377Met)

Gene: BRIP1 (BRCA1 interacting DNA helicase 1; minus strand). Cytogenetic location: 17q23.2.
Variant type: single nucleotide variant.
Coding change: c.1131A>G on transcript NM_032043.3 (MANE Select); coding-DNA position 1131, A replaced by G.
Protein change: p.Ile377Met; replaces isoleucine 377 with methionine.
Molecular consequence: missense variant.
Genome position (GRCh38, 1-based): chr17:61,801,262, T>C on the plus strand (A>G on the coding strand, the complement: BRIP1 is on the minus strand). VCF-style: chr17-61801262-T-C. GRCh37 (hg19) VCF-style: chr17-59878623-T-C.
Other names: short protein forms I377M.
Identifiers: ClinVar variation 584971 (VCV000584971.14), dbSNP rs927733243, ClinGen allele CA292286057.
Genomic context (GRCh38, chr17:61,801,262, plus strand): 5'-TTACATCTCCATGAGTAGGAAGAAGGTTCTCATTTTTACACATATACTCACACTTTCCCT[T>C]ATTTGTGCATCTAGAAGATAGTTGTAGGGACAAAATATGATGTCAGCATCTTGTATTAGT-3'
Protein context (NP_114432.2, residues 367-387): CPYNYLLDAQ[Ile377Met]RESMDLNLKE